The following is an entry in ClinVar:

NM_020975.6(RET):c.1594_1596delinsTGT (p.Gly532Cys)

Gene: RET (ret proto-oncogene; plus strand). Cytogenetic location: 10q11.21.
Variant type: Indel.
Coding change: c.1594_1596delinsTGT on transcript NM_020975.6 (MANE Select); coding-DNA positions 1594 to 1596, GGC replaced by TGT.
Protein change: p.Gly532Cys; replaces glycine 532 with cysteine.
Molecular consequence: missense variant.
Genome position (GRCh38, 1-based): chr10:43,112,170-43,112,172, GGC replaced by TGT. VCF-style: chr10-43112170-GGC-TGT. GRCh37 (hg19) VCF-style: chr10-43607618-GGC-TGT.
Other names: c.832_834delinsTGT, p.Gly278Cys (NM_001355216.2); c.1594_1596delinsTGT, p.Gly532Cys (NM_001406743.1, NM_001406744.1, NM_001406759.1 and 4 more transcripts); c.1465_1467delinsTGT, p.Gly489Cys (NM_001406761.1, NM_001406762.1, NM_001406764.1 and 1 more transcripts); c.1198_1200delinsTGT, p.Gly400Cys (NM_001406772.1, NM_001406769.1); c.1156_1158delinsTGT, p.Gly386Cys (NM_001406773.1, NM_001406771.1); c.1069_1071delinsTGT, p.Gly357Cys (NM_001406774.1); c.868_870delinsTGT, p.Gly290Cys (NM_001406775.1, NM_001406776.1, NM_001406777.1 and 1 more transcripts); c.697_699delinsTGT, p.Gly233Cys (NM_001406779.1, NM_001406780.1, NM_001406781.1 and 3 more transcripts); and 5 more; short protein forms G357C, G436C, G489C, G532C, G190C, G386C, G49C, G137C.
Identifiers: ClinVar variation 4545469 (VCV004545469.1).

ClinVar aggregate classification (germline): Uncertain significance (1 of 4 stars; one submission).

Conditions:
Hereditary cancer-predisposing syndrome. Also called: Tumor predisposition; Hereditary Cancer Syndrome; Hereditary neoplastic syndrome; Neoplastic Syndromes, Hereditary. Identifiers: Orphanet 140162, MedGen C0027672, MeSH D009386, MONDO:0015356.

Submission:

Ambry Genetics
Classification: Uncertain significance for Hereditary cancer-predisposing syndrome. Last evaluated: 2025-10-21. Review status: criteria provided, single submitter. Criteria: Ambry Variant Classification Scheme 2023. Collection method: clinical testing. Allele origin: germline.
Comment: The c.1594_1596delGGCinsTGT variant, located in coding exon 8 of the RET gene, results from an in-frame deletion of GGC and insertion of TGT at nucleotide positions 1594 to 1596. This results in the substitution of the glycine residue for a cysteine residue at codon 532, an amino acid with highly dissimilar properties. This amino acid position is well conserved in available vertebrate species. In addition, this variant is predicted to be neutral by in silico analysis (Choi Y et al. PLoS ONE. 2012; 7(10):e46688). Based on the available evidence, the clinical significance of this variant remains unclear.